The following is an entry in ClinVar:

NM_001457.4(FLNB):c.5530A>G (p.Ile1844Val)

Gene: FLNB (filamin B; plus strand). Cytogenetic location: 3p14.3.
Variant type: single nucleotide variant.
Coding change: c.5530A>G on transcript NM_001457.4 (MANE Select); coding-DNA position 5530, A replaced by G.
Protein change: p.Ile1844Val; replaces isoleucine 1844 with valine.
Molecular consequence: missense variant.
Genome position (GRCh38, 1-based): chr3:58,146,025, A>G. VCF-style: chr3-58146025-A-G. GRCh37 (hg19) VCF-style: chr3-58131752-A-G.
Other names: c.5623A>G, p.Ile1875Val (NM_001164317.2); c.5497A>G, p.Ile1833Val (NM_001164318.2); c.5458A>G, p.Ile1820Val (NM_001164319.2); short protein forms I1820V, I1833V, I1844V, I1875V.
Identifiers: ClinVar variation 1372738 (VCV001372738.6), dbSNP rs2107262429, ClinGen allele CA353354773.

ClinVar aggregate classification (germline): Uncertain significance (1 of 4 stars; one submission).

Allele frequency attached by ClinVar (database versions not stated): gnomAD exomes below 0.00001.
gnomAD v4.1: 1 of 1,614,208 alleles (0.000062%); highest among the groups gnomAD compares: Non-Finnish European, 0.000085%; no homozygotes.

Submission:

Labcorp Genetics (formerly Invitae), Labcorp
Classification: Uncertain significance. Last evaluated: 2025-12-28. Review status: criteria provided, single submitter. Criteria: Invitae Variant Classification Sherloc (09022015). Collection method: clinical testing. Allele origin: germline.
Comment: This sequence change replaces isoleucine, which is neutral and non-polar, with valine, which is neutral and non-polar, at codon 1844 of the FLNB protein (p.Ile1844Val). This variant is not present in population databases (gnomAD no frequency). This variant has not been reported in the literature in individuals affected with FLNB-related conditions. ClinVar contains an entry for this variant (Variation ID: 1372738). Invitae Evidence Modeling of protein sequence and biophysical properties (such as structural, functional, and spatial information, amino acid conservation, physicochemical variation, residue mobility, and thermodynamic stability) indicates that this missense variant is not expected to disrupt FLNB protein function with a negative predictive value of 95%. In summary, the available evidence is currently insufficient to determine the role of this variant in disease. Therefore, it has been classified as a Variant of Uncertain Significance.